The following is an entry in ClinVar:

NM_000218.3(KCNQ1):c.1394-15516dup

Genes: KCNQ1 (potassium voltage-gated channel subfamily Q member 1; plus strand), KCNQ1OT1 (KCNQ1 opposite strand/antisense transcript 1; minus strand). Cytogenetic location: 11p15.5.
Variant type: Duplication.
Coding change: c.1394-15516dup on transcript NM_000218.3 (MANE Select); 15516 bases into the intron before coding-DNA position 1394, one base duplicated (T; older notation c.1394-15516dupT).
Molecular consequence: intron variant.
Genome position (GRCh38, 1-based): chr11:2,646,445, T duplicated; the last of 8 consecutive T bases (chr11:2,646,438-2,646,445); duplicating any one gives the same sequence. VCF-style (leftmost placement, unchanged base first): chr11-2646437-C-CT. GRCh37 (hg19) VCF-style: chr11-2667667-C-CT.
Other names: c.1124-15516dup (NM_001406837.1); c.1298-15516dup (NM_001406836.1); c.854-15516dup (NM_001406838.1); c.1013-15516dup (NM_181798.2).
Identifiers: ClinVar variation 2578634 (VCV002578634.25), dbSNP rs1031412494, ClinGen allele CA216158916.

ClinVar aggregate classification (germline): Likely benign (1 of 4 stars; one submission).

Submission:

CeGaT Center for Human Genetics Tuebingen
Classification: Likely benign. Last evaluated: 2026-07-01. Review status: criteria provided, single submitter. Criteria: CeGaT Center For Human Genetics Tuebingen Variant Classification Criteria Version 2. Collection method: clinical testing. Allele origin: germline. Affected: yes. Observed: 13 variant alleles.
Comment: KCNQ1OT1: BS1